The following is an entry in ClinVar:

NM_018979.4(WNK1):c.759+6G>T

Gene: WNK1 (WNK lysine deficient protein kinase 1; plus strand). Cytogenetic location: 12p13.33.
Variant type: single nucleotide variant.
Coding change: c.759+6G>T on transcript NM_018979.4 (MANE Select); 6 bases into the intron after coding-DNA position 759, G replaced by T.
Molecular consequence: intron variant.
Genome position (GRCh38, 1-based): chr12:754,330, G>T. VCF-style: chr12-754330-G-T. GRCh37 (hg19) VCF-style: chr12-863496-G-T.
Other names: c.759+6G>T (NM_213655.5, NM_001184985.2, NM_014823.3).
Identifiers: ClinVar variation 4085106 (VCV004085106.8).
Genomic context (GRCh38, chr12:754,330, plus strand): 5'-CTACAAAGGTCTGGACACTGAAACCACCGTGGAAGTCGCCTGGTGTGAACTGCAGGTAAA[G>T]CCCCACCTACTTTATTTGACGGTCCTTTGGATCCCAAATTTGGCTCGGCGAAGCCAGTTG-3'

ClinVar aggregate classification (germline): Uncertain significance (1 of 4 stars; one submission).

Submission:

CeGaT Center for Human Genetics Tuebingen
Classification: Uncertain significance. Last evaluated: 2025-08-01. Review status: criteria provided, single submitter. Criteria: CeGaT Center For Human Genetics Tuebingen Variant Classification Criteria Version 2. Collection method: clinical testing. Allele origin: germline. Affected: yes. Observed: 1 variant allele.
Comment: WNK1: PM2, BP4